The following is an entry in ClinVar:

ClinVar aggregate classification (germline): Uncertain significance (1 of 4 stars; one submission).

Submission:

GeneDx
Classification: Uncertain significance. Last evaluated: 2024-06-28. Review status: criteria provided, single submitter. Criteria: GeneDx Variant Classification Process June 2021. Collection method: clinical testing. Allele origin: germline. Affected: yes.
Comment: Not observed at significant frequency in large population cohorts (gnomAD); In silico analysis indicates that this missense variant does not alter protein structure/function; Has not been previously published as pathogenic or benign to our knowledge

NM_001348323.3(TRIP12):c.3409A>C (p.Ile1137Leu)

Gene: TRIP12 (thyroid hormone receptor interactor 12; minus strand). Cytogenetic location: 2q36.3.
Variant type: single nucleotide variant.
Coding change: c.3409A>C on transcript NM_001348323.3 (MANE Select); coding-DNA position 3409, A replaced by C.
Protein change: p.Ile1137Leu; replaces isoleucine 1137 with leucine.
Molecular consequence: missense variant.
Genome position (GRCh38, 1-based): chr2:229,798,948, T>G on the plus strand (A>C on the coding strand, the complement: TRIP12 is on the minus strand). VCF-style: chr2-229798948-T-G. GRCh37 (hg19) VCF-style: chr2-230663664-T-G.
Other names: c.3328A>C, p.Ile1110Leu (NM_001284214.2, NM_001348315.2); c.3283A>C, p.Ile1095Leu (NM_001284215.2, NM_001348316.2, NM_001348317.1 and 1 more transcripts); c.2374A>C, p.Ile792Leu (NM_001284216.2); c.3409A>C, p.Ile1137Leu (NM_001348319.1, NM_001348320.2, NM_001348322.1 and 4 more transcripts); c.3412A>C, p.Ile1138Leu (NM_001348321.1, NM_001348328.1, NM_001348329.2 and 1 more transcripts); c.3202A>C, p.Ile1068Leu (NM_001348331.1); c.3322A>C, p.Ile1108Leu (NM_001348332.1); c.3331A>C, p.Ile1111Leu (NM_001348333.1); and 1 more; short protein forms I1062L, I1068L, I1095L, I1108L, I1110L, I1111L, I1137L, I1138L.
Identifiers: ClinVar variation 3392977 (VCV003392977.1).
Genomic context (GRCh38, chr2:229,798,948, plus strand): 5'-TGGTATCCTTTGAGGCAGCCCTGGCAAGGCCACTACCTCCCGCAGTCCGTGCTGGCTCAA[T>G]GTTGTTGCTGTTGGACTGTGTACTTAACCTTCCCCATGTTTTTGGATTCAAGCTTGCCAG-3'
Protein context (NP_001335252.1, residues 1127-1147): RLSTQSNSNN[Ile1137Leu]EPARTAGGSG